The following is an entry in ClinVar:

ClinVar aggregate classification (germline): Uncertain significance (1 of 4 stars; one submission).

Allele frequency attached by ClinVar (database versions not stated): gnomAD 0.00001; gnomAD exomes 0.00001; ExAC 0.00002; TOPMed 0.00003; 1000 Genomes Project 30x 0.00016; 1000 Genomes Project 0.00020.
gnomAD v4.1: 11 of 1,614,246 alleles (0.00068%); highest among the groups gnomAD compares: African/African-American, 0.0053%; no homozygotes.

Submission:

Labcorp Genetics (formerly Invitae), Labcorp
Classification: Uncertain significance. Last evaluated: 2022-10-04. Review status: criteria provided, single submitter. Criteria: Invitae Variant Classification Sherloc (09022015). Collection method: clinical testing. Allele origin: germline.
Comment: ClinVar contains an entry for this variant (Variation ID: 1427330). In summary, the available evidence is currently insufficient to determine the role of this variant in disease. Therefore, it has been classified as a Variant of Uncertain Significance. Advanced modeling of protein sequence and biophysical properties (such as structural, functional, and spatial information, amino acid conservation, physicochemical variation, residue mobility, and thermodynamic stability) performed at Invitae indicates that this missense variant is not expected to disrupt DTNBP1 protein function. This variant has not been reported in the literature in individuals affected with DTNBP1-related conditions. This variant is present in population databases (rs79262298, gnomAD 0.007%). This sequence change replaces serine, which is neutral and polar, with leucine, which is neutral and non-polar, at codon 305 of the DTNBP1 protein (p.Ser305Leu).

NM_032122.5(DTNBP1):c.914C>T (p.Ser305Leu)

Gene: DTNBP1 (dystrobrevin binding protein 1; minus strand). Cytogenetic location: 6p22.3.
Variant type: single nucleotide variant.
Coding change: c.914C>T on transcript NM_032122.5 (MANE Select); coding-DNA position 914, C replaced by T.
Protein change: p.Ser305Leu; replaces serine 305 with leucine.
Molecular consequence: missense variant.
Genome position (GRCh38, 1-based): chr6:15,523,117, G>A on the plus strand (C>T on the coding strand, the complement: DTNBP1 is on the minus strand). VCF-style: chr6-15523117-G-A. GRCh37 (hg19) VCF-style: chr6-15523348-G-A.
Other names: c.671C>T, p.Ser224Leu (NM_001271667.2); c.863C>T, p.Ser288Leu (NM_001271668.2); c.809C>T, p.Ser270Leu (NM_001271669.2); short protein forms S270L, S305L, S288L, S224L.
Identifiers: ClinVar variation 1427330 (VCV001427330.8), dbSNP rs79262298, ClinGen allele CA3643696.
Genomic context (GRCh38, chr6:15,523,117, plus strand): 5'-TCCTCCTCATCGGACTGAACAACGGGGGACTCCCCACCCTCACTGATGTCCCGGGTGGCC[G>A]AGTCGGTGCAGGTGGAGGAAGAAGAAGGTGGCTTGGCTCTTAATTCTGAGGGATTTGGAA-3'
Protein context (NP_115498.2, residues 295-315): PPSSSSTCTD[Ser305Leu]ATRDISEGGE